The following is an entry in ClinVar:

NM_001127222.2(CACNA1A):c.1625C>T (p.Thr542Met)

Gene: CACNA1A (calcium voltage-gated channel subunit alpha1 A; minus strand). Cytogenetic location: 19p13.13.
Variant type: single nucleotide variant.
Coding change: c.1625C>T on transcript NM_001127222.2 (MANE Select); coding-DNA position 1625, C replaced by T.
Protein change: p.Thr542Met; replaces threonine 542 with methionine.
Molecular consequence: missense variant.
Genome position (GRCh38, 1-based): chr19:13,312,712, G>A on the plus strand (C>T on the coding strand, the complement: CACNA1A is on the minus strand). VCF-style: chr19-13312712-G-A. GRCh37 (hg19) VCF-style: chr19-13423526-G-A.
Other names: c.1628C>T, p.Thr543Met (NM_000068.4, NM_001127221.2, NM_001174080.2 and 1 more transcripts); short protein forms T542M, T543M.
Identifiers: ClinVar variation 2649390 (VCV002649390.26), dbSNP rs753564161, ClinGen allele CA9240773.
Genomic context (GRCh38, chr19:13,312,712, plus strand): 5'-GAAACAAGAGCACTTACCCCACAGTCAAAGCAGTTGAAGGAAGAGTGGAAGTAAGGCCGC[G>A]TCCCAAGCCCGTACATTTTTATAAACATTTCGGACATAAAGAGTCCTAAGAAAATGAATT-3'
Protein context (NP_001120694.1, residues 532-552): EMFIKMYGLG[Thr542Met]RPYFHSSFNC

ClinVar aggregate classification (germline): Uncertain significance. Review status: criteria provided, multiple submitters, no conflicts (2 of 4 stars). 3 submissions from 3 submitters: Uncertain significance (3). Last evaluated 2025-10-14.

Conditions:
Inborn genetic diseases. Identifiers: MedGen C0950123, MeSH D030342.
Developmental and epileptic encephalopathy, 42 (DEE42A). Also called: Epileptic encephalopathy, early infantile, 42; DEVELOPMENTAL AND EPILEPTIC ENCEPHALOPATHY 42A; EPILEPTIC ENCEPHALOPATHY, EARLY INFANTILE, 42A. Identifiers: MedGen C4310716, MONDO:0014917, OMIM 617106.
Episodic ataxia type 2 (EA2). Also called: ATAXIA, EPISODIC, WITH NYSTAGMUS; ATAXIA, FAMILIAL PAROXYSMAL; CEREBELLAR ATAXIA, PAROXYSMAL, ACETAZOLAMIDE-RESPONSIVE; CEREBELLOPATHY, HEREDITARY PAROXYSMAL; EPISODIC ATAXIA, NYSTAGMUS-ASSOCIATED; ACETAZOLAMIDE-RESPONSIVE HEREDITARY PAROXYSMAL CEREBELLAR ATAXIA. Identifiers: Orphanet 97, MedGen C1720416, MONDO:0007163, OMIM 108500.

Allele frequency attached by ClinVar (database versions not stated): ExAC 0.00001; gnomAD 0.00001; gnomAD exomes 0.00001; TOPMed 0.00002.
gnomAD v4.1: 15 of 1,593,360 alleles (0.00094%); highest among the groups gnomAD compares: East Asian, 0.0023%; no homozygotes.

Submissions (3):

Ambry Genetics
Classification: Uncertain significance for Inborn genetic diseases. Last evaluated: 2025-10-14. Review status: criteria provided, single submitter. Criteria: Ambry Variant Classification Scheme 2023. Collection method: clinical testing. Allele origin: germline.

CeGaT Center for Human Genetics Tuebingen
Classification: Uncertain significance. Last evaluated: 2023-08-01. Review status: criteria provided, single submitter. Criteria: CeGaT Center For Human Genetics Tuebingen Variant Classification Criteria Version 2. Collection method: clinical testing. Allele origin: germline. Affected: yes. Observed: 1 variant allele.
Comment: CACNA1A: PP2

Labcorp Genetics (formerly Invitae), Labcorp
Classification: Uncertain significance for Developmental and epileptic encephalopathy, 42; Episodic ataxia type 2. Last evaluated: 2023-07-16. Review status: criteria provided, single submitter. Criteria: Invitae Variant Classification Sherloc (09022015). Collection method: clinical testing. Allele origin: germline.
Comment: In summary, the available evidence is currently insufficient to determine the role of this variant in disease. Therefore, it has been classified as a Variant of Uncertain Significance. Advanced modeling of protein sequence and biophysical properties (such as structural, functional, and spatial information, amino acid conservation, physicochemical variation, residue mobility, and thermodynamic stability) has been performed at Invitae for this missense variant, however the output from this modeling did not meet the statistical confidence thresholds required to predict the impact of this variant on CACNA1A protein function. This variant has not been reported in the literature in individuals affected with CACNA1A-related conditions. The frequency data for this variant in the population databases is considered unreliable, as metrics indicate poor data quality at this position in the gnomAD database. This sequence change replaces threonine, which is neutral and polar, with methionine, which is neutral and non-polar, at codon 543 of the CACNA1A protein (p.Thr543Met).